The following is an entry in ClinVar:

ClinVar aggregate classification (germline): Likely pathogenic (1 of 4 stars; one submission).

Conditions:
Deficiency of alpha-mannosidase (MANSA). Also called: Mannosidosis, alpha-, types I and II; LYSOSOMAL ALPHA-D-MANNOSIDASE DEFICIENCY; Alpha-Mannosidosis. Identifiers: Orphanet 61, MedGen C0024748, MONDO:0009561, OMIM 248500.

Submission:

Myriad Genetics, Inc.
Classification: Likely pathogenic for Deficiency of alpha-mannosidase. Last evaluated: 2022-04-29. Review status: criteria provided, single submitter. Criteria: Myriad Women's Health Autosomal Recessive and X-Linked Classification Criteria (2021). Collection method: clinical testing. Allele origin: unknown.
Comment: NM_000528.3(MAN2B1):c.1996C>T(Q666*) is expected to be pathogenic in the context of alpha-mannosidosis. This variant is predicted to lead to an abnormal or absent protein product due to the creation of a premature termination codon in MAN2B1, a gene where loss-of-function variants are known to be pathogenic. Please note: this variant was assessed in the context of healthy population screening.

NM_000528.4(MAN2B1):c.1996C>T (p.Gln666Ter)

Gene: MAN2B1 (mannosidase alpha class 2B member 1; minus strand). Cytogenetic location: 19p13.13.
Variant type: single nucleotide variant.
Coding change: c.1996C>T on transcript NM_000528.4 (MANE Select); coding-DNA position 1996, C replaced by T.
Protein change: p.Gln666Ter; replaces glutamine 666 with a stop codon.
Molecular consequence: nonsense.
Genome position (GRCh38, 1-based): chr19:12,652,203, G>A on the plus strand (C>T on the coding strand, the complement: MAN2B1 is on the minus strand). VCF-style: chr19-12652203-G-A. GRCh37 (hg19) VCF-style: chr19-12763017-G-A.
Other names: c.1993C>T, p.Gln665Ter (NM_001173498.2); short protein forms Q665*, Q666*.
Identifiers: ClinVar variation 1725973 (VCV001725973.2), dbSNP rs2512492585, ClinGen allele CA404244085.